The following is an entry in ClinVar:

ClinVar aggregate classification (germline): Uncertain significance. Review status: criteria provided, multiple submitters, no conflicts (2 of 4 stars). 2 submissions from 2 submitters: Uncertain significance (2). Last evaluated 2024-09-30.

Conditions:
Early Myoclonic Encephalopathy. Identifiers: MedGen C0270855.

Allele frequency attached by ClinVar (database versions not stated): gnomAD exomes below 0.00001 and 0.00001; ExAC 0.00001; gnomAD 0.00001; 1000 Genomes Project 0.00020; 1000 Genomes Project 30x 0.00031.
gnomAD v4.1: 2 of 1,613,982 alleles (0.00012%); highest among the groups gnomAD compares: Admixed American, 0.0017%; no homozygotes.

Submissions (2):

Labcorp Genetics (formerly Invitae), Labcorp
Classification: Uncertain significance for Early Myoclonic Encephalopathy. Last evaluated: 2024-09-30. Review status: criteria provided, single submitter. Criteria: Invitae Variant Classification Sherloc (09022015). Collection method: clinical testing. Allele origin: germline.
Comment: This sequence change replaces leucine, which is neutral and non-polar, with valine, which is neutral and non-polar, at codon 2450 of the JMJD1C protein (p.Leu2450Val). This variant is present in population databases (rs543131872, gnomAD 0.007%). This variant has not been reported in the literature in individuals affected with JMJD1C-related conditions. ClinVar contains an entry for this variant (Variation ID: 1362939). Invitae Evidence Modeling of protein sequence and biophysical properties (such as structural, functional, and spatial information, amino acid conservation, physicochemical variation, residue mobility, and thermodynamic stability) indicates that this missense variant is not expected to disrupt JMJD1C protein function with a negative predictive value of 80%. In summary, the available evidence is currently insufficient to determine the role of this variant in disease. Therefore, it has been classified as a Variant of Uncertain Significance.

Ambry Genetics
Classification: Uncertain significance. Last evaluated: 2024-09-10. Review status: criteria provided, single submitter. Criteria: Ambry Variant Classification Scheme 2023. Collection method: clinical testing. Allele origin: germline.

NM_032776.3(JMJD1C):c.7348C>G (p.Leu2450Val)

Gene: JMJD1C (jumonji domain containing 1C; minus strand). Cytogenetic location: 10q21.3.
Variant type: single nucleotide variant.
Coding change: c.7348C>G on transcript NM_032776.3 (MANE Select); coding-DNA position 7348, C replaced by G.
Protein change: p.Leu2450Val; replaces leucine 2450 with valine.
Molecular consequence: missense variant. On other transcripts: non-coding transcript variant (1).
Genome position (GRCh38, 1-based): chr10:63,176,350, G>C on the plus strand (C>G on the coding strand, the complement: JMJD1C is on the minus strand). VCF-style: chr10-63176350-G-C. GRCh37 (hg19) VCF-style: chr10-64936110-G-C.
Other names: c.6802C>G, p.Leu2268Val (NM_001282948.2, NM_001318154.2); c.6484C>G, p.Leu2162Val (NM_001318153.2); c.7348C>G (NM_032776.1); c.7234C>G, p.Leu2412Val (NM_001322252.2); c.6691C>G, p.Leu2231Val (NM_001322254.2, NM_001322258.2); short protein forms L2162V, L2231V, L2450V, L2268V, L2412V.
Identifiers: ClinVar variation 1362939 (VCV001362939.9), dbSNP rs543131872, ClinGen allele CA5517671.